The following is an entry in ClinVar:

NM_033380.3(COL4A5):c.5051G>A (p.Cys1684Tyr)

Gene: COL4A5 (collagen type IV alpha 5 chain; plus strand). Cytogenetic location: Xq22.3.
Variant type: single nucleotide variant.
Coding change: c.5051G>A on transcript NM_033380.3 (MANE Select); coding-DNA position 5051, G replaced by A.
Protein change: p.Cys1684Tyr; replaces cysteine 1684 with tyrosine.
Molecular consequence: missense variant.
Genome position (GRCh38, 1-based): chrX:108,696,353, G>A. VCF-style: chrX-108696353-G-A. GRCh37 (hg19) VCF-style: chrX-107939583-G-A.
Other names: c.5033G>A, p.Cys1678Tyr (NM_000495.5); short protein forms C1684Y, C1678Y.
Identifiers: ClinVar variation 1458972 (VCV001458972.8), dbSNP rs2148003771, ClinGen allele CA414133145.
Genomic context (GRCh38, chrX:108,696,353, plus strand): 5'-CCAGTAAACCTCAGTCAGAAACGCTGAAAGCAGGAGACTTGAGGACACGAATTAGCCGAT[G>A]TCAAGTGTGCATGAAGAGGACATAACATTTTGAAGAATTCCTTTTGTGTTTTAAAATGTG-3'
Protein context (NP_203699.1, residues 1674-1691): AGDLRTRISR[Cys1684Tyr]QVCMKRT

ClinVar aggregate classification (germline): Pathogenic/Likely pathogenic. Review status: criteria provided, multiple submitters, no conflicts (2 of 4 stars). 2 submissions from 2 submitters: Pathogenic (1); Likely pathogenic (1). Last evaluated 2025-04-02.

Conditions:
X-linked Alport syndrome (ATS1). Also called: NEPHROPATHY AND DEAFNESS, X-LINKED; COL4A5-Related Nephropathy. Identifiers: Orphanet 63, Orphanet 88917, MedGen C4746986, MONDO:0010520, OMIM 301050.

Submissions (2):

Labcorp Genetics (formerly Invitae), Labcorp
Classification: Pathogenic. Last evaluated: 2025-04-02. Review status: criteria provided, single submitter. Criteria: Invitae Variant Classification Sherloc (09022015). Collection method: clinical testing. Allele origin: germline.
Comment: This sequence change replaces cysteine, which is neutral and slightly polar, with tyrosine, which is neutral and polar, at codon 1678 of the COL4A5 protein (p.Cys1678Tyr). This variant is not present in population databases (gnomAD no frequency). This missense change has been observed in individuals with clinical features of Alport syndrome (PMID: 24854265; internal data). This variant is also known as c.5051G>A (p.Cys1684Tyr). ClinVar contains an entry for this variant (Variation ID: 1458972). Invitae Evidence Modeling of protein sequence and biophysical properties (such as structural, functional, and spatial information, amino acid conservation, physicochemical variation, residue mobility, and thermodynamic stability) indicates that this missense variant is expected to disrupt COL4A5 protein function with a positive predictive value of 95%. This variant disrupts the p.Cys1678 amino acid residue in COL4A5. Other variant(s) that disrupt this residue have been determined to be pathogenic (PMID: 10561141, 12105244). This suggests that this residue is clinically significant, and that variants that disrupt this residue are likely to be disease-causing. For these reasons, this variant has been classified as Pathogenic.

Fulgent Genetics
Classification: Likely pathogenic for X-linked Alport syndrome. Last evaluated: 2024-05-14. Review status: criteria provided, single submitter. Criteria: ACMG Guidelines, 2015. Collection method: clinical testing. Allele origin: germline.

Literature cited by the submitters: PubMed 24854265 (cited by Labcorp Genetics (formerly Invitae), Labcorp); PubMed 10561141 (cited by Labcorp Genetics (formerly Invitae), Labcorp); PubMed 12105244 (cited by Labcorp Genetics (formerly Invitae), Labcorp).